The following is an entry in ClinVar:

NM_004484.4(GPC3):c.78_83del (p.Pro30_Pro31del)

Gene: GPC3 (glypican 3; minus strand). Cytogenetic location: Xq26.2.
Variant type: Deletion.
Coding change: c.78_83del on transcript NM_004484.4 (MANE Select); coding-DNA positions 78 to 83, 6 bases deleted (CCCGCC; older notation c.78_83delCCCGCC).
Protein change: p.Pro30_Pro31del.
Molecular consequence: inframe deletion.
Genome position (GRCh38, 1-based): chrX:133,985,367-133,985,372, GGCGGG deleted on the plus strand (CCCGCC on the coding strand, the reverse complement: GPC3 is on the minus strand); deleting any 6 consecutive bases within chrX:133,985,367-133,985,375 gives the same sequence; the c. name uses the placement nearest the transcript's 3' end. VCF-style (leftmost placement, unchanged base first): chrX-133985366-CGGCGGG-C. GRCh37 (hg19) VCF-style: chrX-133119393-CGGCGGG-C.
Other names: c.78_83del, p.Pro30_Pro31del (NM_001164617.2, NM_001164618.2, NM_001164619.2).
Identifiers: ClinVar variation 1461427 (VCV001461427.8), dbSNP rs2124655769, ClinGen allele CA2573159302.

ClinVar aggregate classification (germline): Uncertain significance (1 of 4 stars; one submission).

Conditions:
Wilms tumor 1 (WT1). Also called: Wilms tumor, somatic. Identifiers: Orphanet 654, MedGen CN033288, MONDO:0008679, OMIM 194070.

Submission:

Labcorp Genetics (formerly Invitae), Labcorp
Classification: Uncertain significance for Wilms tumor 1. Last evaluated: 2021-06-29. Review status: criteria provided, single submitter. Criteria: Invitae Variant Classification Sherloc (09022015). Collection method: clinical testing. Allele origin: germline.
Comment: This variant, c.78_83del, results in the deletion of 2 amino acid(s) of the GPC3 protein (p.Pro30_Pro31del), but otherwise preserves the integrity of the reading frame. This variant is not present in population databases (ExAC no frequency). This variant has not been reported in the literature in individuals affected with GPC3-related conditions. Experimental studies and prediction algorithms are not available or were not evaluated, and the functional significance of this variant is currently unknown. In summary, the available evidence is currently insufficient to determine the role of this variant in disease. Therefore, it has been classified as a Variant of Uncertain Significance.